The following is an entry in ClinVar:

ClinVar aggregate classification (germline): Uncertain significance (1 of 4 stars; one submission).

Conditions:
Renal cell carcinoma. Identifiers: Orphanet 217071, MedGen C0007134, MeSH D002292, MONDO:0005086, HP:0005584.

Submission:

Labcorp Genetics (formerly Invitae), Labcorp
Classification: Uncertain significance for Renal cell carcinoma. Last evaluated: 2021-07-21. Review status: criteria provided, single submitter. Criteria: Invitae Variant Classification Sherloc (09022015). Collection method: clinical testing. Allele origin: germline.
Comment: This variant is not present in population databases (ExAC no frequency). In summary, the available evidence is currently insufficient to determine the role of this variant in disease. Therefore, it has been classified as a Variant of Uncertain Significance. Algorithms developed to predict the effect of missense changes on protein structure and function are either unavailable or do not agree on the potential impact of this missense change (SIFT: "Deleterious"; PolyPhen-2: "Possibly Damaging"; Align-GVGD: "Class C0"). This variant has not been reported in the literature in individuals affected with MET-related conditions. This sequence change replaces cysteine with serine at codon 541 of the MET protein (p.Cys541Ser). The cysteine residue is highly conserved and there is a moderate physicochemical difference between cysteine and serine.

NM_000245.4(MET):c.1622G>C (p.Cys541Ser)

Gene: MET (MET proto-oncogene, receptor tyrosine kinase; plus strand). Cytogenetic location: 7q31.2.
Variant type: single nucleotide variant.
Coding change: c.1622G>C on transcript NM_000245.4 (MANE Select); coding-DNA position 1622, G replaced by C.
Protein change: p.Cys541Ser; replaces cysteine 541 with serine.
Molecular consequence: missense variant.
Genome position (GRCh38, 1-based): chr7:116,740,946, G>C. VCF-style: chr7-116740946-G-C. GRCh37 (hg19) VCF-style: chr7-116381000-G-C.
Other names: c.1622G>C, p.Cys541Ser (NM_001127500.3, NM_001324401.3); c.332G>C, p.Cys111Ser (NM_001324402.2); short protein forms C541S, C111S.
Identifiers: ClinVar variation 1406749 (VCV001406749.8), dbSNP rs2116836106, ClinGen allele CA368975514.